The following is an entry in ClinVar:

NM_001366385.1(CARD14):c.1285C>A (p.Gln429Lys)

Gene: CARD14 (caspase recruitment domain family member 14; plus strand). Cytogenetic location: 17q25.3.
Variant type: single nucleotide variant.
Coding change: c.1285C>A on transcript NM_001366385.1 (MANE Select); coding-DNA position 1285, C replaced by A.
Protein change: p.Gln429Lys; replaces glutamine 429 with lysine.
Molecular consequence: missense variant. On other transcripts: non-coding transcript variant (1).
Genome position (GRCh38, 1-based): chr17:80,192,548, C>A. VCF-style: chr17-80192548-C-A. GRCh37 (hg19) VCF-style: chr17-78166347-C-A.
Other names: c.1285C>A, p.Gln429Lys (NM_001257970.1, NM_024110.4); c.574C>A, p.Gln192Lys (NM_052819.3); short protein forms Q192K, Q429K.
Identifiers: ClinVar variation 4783648 (VCV004783648.1).

ClinVar aggregate classification (germline): Uncertain significance (1 of 4 stars; one submission).

Conditions:
Psoriasis 2. Identifiers: MedGen C1864497, MONDO:0011269, OMIM 602723.
Pityriasis rubra pilaris (PRP). Also called: Pityriasis rubra pilaris--familial type. Identifiers: Orphanet 2897, MedGen C0032027, MONDO:0100017, OMIM 173200, MONDO:0008251.

gnomAD v4.1: 1 of 1,613,694 alleles (0.000062%); highest among the groups gnomAD compares: Non-Finnish European, 0.000085%; no homozygotes.

Submission:

Labcorp Genetics (formerly Invitae), Labcorp
Classification: Uncertain significance for Pityriasis rubra pilaris; Psoriasis 2. Last evaluated: 2025-12-03. Review status: criteria provided, single submitter. Criteria: Invitae Variant Classification Sherloc (09022015). Collection method: clinical testing. Allele origin: germline.
Comment: This sequence change replaces glutamine, which is neutral and polar, with lysine, which is basic and polar, at codon 429 of the CARD14 protein (p.Gln429Lys). This variant is not present in population databases (gnomAD no frequency). This variant has not been reported in the literature in individuals affected with CARD14-related conditions. Invitae Evidence Modeling of protein sequence and biophysical properties (such as structural, functional, and spatial information, amino acid conservation, physicochemical variation, residue mobility, and thermodynamic stability) indicates that this missense variant is not expected to disrupt CARD14 protein function with a negative predictive value of 95%. In summary, the available evidence is currently insufficient to determine the role of this variant in disease. Therefore, it has been classified as a Variant of Uncertain Significance.